The following is an entry in ClinVar:

ClinVar aggregate classification (germline): Likely pathogenic (1 of 4 stars; one submission).

Conditions:
TTC21B-related disorder. Also called: TTC21B-related disorders; TTC21B-related condition.

Submission:

PreventionGenetics, part of Exact Sciences
Classification: Likely pathogenic for TTC21B-related condition. Last evaluated: 2026-03-19. Review status: criteria provided, single submitter. Criteria: ACMG Guidelines, 2015. Collection method: clinical testing. Allele origin: germline.
Comment: The TTC21B c.3094dupT variant is predicted to result in a frameshift and premature protein termination (p.Tyr1032Leufs*10). To our knowledge, this variant has not been reported in the literature or in a large population database (gnomAD), indicating this variant is rare. Frameshift variants in TTC21B are expected to be pathogenic. This variant is interpreted as likely pathogenic.

NM_024753.5(TTC21B):c.3094dup (p.Tyr1032fs)

Gene: TTC21B (tetratricopeptide repeat domain 21B; minus strand). Cytogenetic location: 2q24.3.
Variant type: Duplication.
Coding change: c.3094dup on transcript NM_024753.5 (MANE Select); coding-DNA position 3094, one base duplicated (T; older notation c.3094dupT).
Protein change: p.Tyr1032fs; shifts the reading frame from tyrosine 1032.
Molecular consequence: frameshift variant.
Genome position (GRCh38, 1-based): chr2:165,890,845, A duplicated on the plus strand (T on the coding strand, the reverse complement: TTC21B is on the minus strand). VCF-style (leftmost placement, unchanged base first): chr2-165890844-T-TA. GRCh37 (hg19) VCF-style: chr2-166747354-T-TA.
Other names: short protein forms Y1032fs.
Identifiers: ClinVar variation 4984036 (VCV004984036.1).